The following is an entry in ClinVar:

NM_002075.4(GNB3):c.653G>A (p.Cys218Tyr)

Gene: GNB3 (G protein subunit beta 3; plus strand). Cytogenetic location: 12p13.31.
Variant type: single nucleotide variant.
Coding change: c.653G>A on transcript NM_002075.4 (MANE Select); coding-DNA position 653, G replaced by A.
Protein change: p.Cys218Tyr; replaces cysteine 218 with tyrosine.
Molecular consequence: missense variant.
Genome position (GRCh38, 1-based): chr12:6,843,932, G>A. VCF-style: chr12-6843932-G-A. GRCh37 (hg19) VCF-style: chr12-6953096-G-A.
Other names: c.650G>A, p.Cys217Tyr (NM_001297571.2); c.653G>A (NM_002075.2); short protein forms C217Y, C218Y.
Identifiers: ClinVar variation 1010634 (VCV001010634.10), dbSNP rs782673755, ClinGen allele CA6417608.

ClinVar aggregate classification (germline): Uncertain significance. Review status: criteria provided, multiple submitters, no conflicts (2 of 4 stars). 3 submissions from 3 submitters: Uncertain significance (3). Last evaluated 2022-10-24.

Conditions:
Inborn genetic diseases. Identifiers: MedGen C0950123, MeSH D030342.

Allele frequency attached by ClinVar (database versions not stated): gnomAD exomes below 0.00001; ExAC 0.00001.
gnomAD v4.1: 2 of 1,613,876 alleles (0.00012%); highest among the groups gnomAD compares: South Asian, 0.0011%; no homozygotes.

Submissions (3):

Labcorp Genetics (formerly Invitae), Labcorp
Classification: Uncertain significance. Last evaluated: 2022-10-24. Review status: criteria provided, single submitter. Criteria: Invitae Variant Classification Sherloc (09022015). Collection method: clinical testing. Allele origin: germline.
Comment: Advanced modeling of protein sequence and biophysical properties (such as structural, functional, and spatial information, amino acid conservation, physicochemical variation, residue mobility, and thermodynamic stability) performed at Invitae indicates that this missense variant is not expected to disrupt GNB3 protein function. ClinVar contains an entry for this variant (Variation ID: 1010634). This variant has not been reported in the literature in individuals affected with GNB3-related conditions. This variant is present in population databases (rs782673755, gnomAD 0.003%). This sequence change replaces cysteine, which is neutral and slightly polar, with tyrosine, which is neutral and polar, at codon 218 of the GNB3 protein (p.Cys218Tyr). In summary, the available evidence is currently insufficient to determine the role of this variant in disease. Therefore, it has been classified as a Variant of Uncertain Significance.

Ambry Genetics
Classification: Uncertain significance for Inborn genetic diseases. Last evaluated: 2022-06-03. Review status: criteria provided, single submitter. Criteria: Ambry Variant Classification Scheme 2023. Collection method: clinical testing. Allele origin: germline.

Breakthrough Genomics
Classification: Uncertain significance. Review status: criteria provided, single submitter. Criteria: ACMG Guidelines, 2015. Collection method: not provided. Allele origin: germline. Inheritance: Autosomal recessive inheritance. Affected: yes.